The following is an entry in ClinVar:

ClinVar aggregate classification (germline): Likely benign. Review status: criteria provided, multiple submitters, no conflicts (2 of 4 stars). 3 submissions from 3 submitters: Likely benign (3). Last evaluated 2024-02-24.

Conditions:
Cardiovascular phenotype. Identifiers: MedGen CN230736.

Allele frequency attached by ClinVar (database versions not stated): gnomAD exomes 0.00003; gnomAD 0.00004; ExAC 0.00005; TOPMed 0.00006; ESP Exome Variant Server 0.00008; 1000 Genomes Project 30x 0.00016; 1000 Genomes Project 0.00020.
gnomAD v4.1: 44 of 1,614,180 alleles (0.0027%); highest among the groups gnomAD compares: South Asian, 0.0088%; no homozygotes.

Submissions (3):

Labcorp Genetics (formerly Invitae), Labcorp
Classification: Likely benign. Last evaluated: 2024-02-24. Review status: criteria provided, single submitter. Criteria: Invitae Variant Classification Sherloc (09022015). Collection method: clinical testing. Allele origin: germline.

CeGaT Center for Human Genetics Tuebingen
Classification: Likely benign. Last evaluated: 2023-05-01. Review status: criteria provided, single submitter. Criteria: CeGaT Center For Human Genetics Tuebingen Variant Classification Criteria Version 2. Collection method: clinical testing. Allele origin: germline. Affected: yes. Observed: 1 variant allele.
Comment: ABCG8: BP4, BP7

Ambry Genetics
Classification: Likely benign for Cardiovascular phenotype. Last evaluated: 2020-02-04. Review status: criteria provided, single submitter. Criteria: Ambry Variant Classification Scheme 2023. Collection method: clinical testing. Allele origin: germline.

NM_022437.3(ABCG8):c.1644C>T (p.Ala548=)

Gene: ABCG8 (ATP binding cassette subfamily G member 8; plus strand). Cytogenetic location: 2p21.
Variant type: single nucleotide variant.
Coding change: c.1644C>T on transcript NM_022437.3 (MANE Select); coding-DNA position 1644, C replaced by T.
Protein change: p.Ala548=; no amino-acid change (alanine 548 retained).
Molecular consequence: synonymous variant.
Genome position (GRCh38, 1-based): chr2:43,875,301, C>T. VCF-style: chr2-43875301-C-T. GRCh37 (hg19) VCF-style: chr2-44102440-C-T.
Other names: c.1641C>T, p.Ala547= (NM_001357321.2).
Identifiers: ClinVar variation 1777107 (VCV001777107.31), dbSNP rs200018072, ClinGen allele CA1637573.